The following is an entry in ClinVar:

ClinVar aggregate classification (germline): Likely pathogenic. Review status: criteria provided, single submitter (1 of 4 stars). 3 submissions from 3 submitters: Likely pathogenic (1). 2 of the submissions do not count toward it. Last evaluated 2016-12-23.

Conditions:
Marfan Syndrome/Loeys-Dietz Syndrome/Familial Thoracic Aortic Aneurysms and Dissections. Identifiers: MedGen CN229799.
Marfan syndrome (MFS). Also called: MARFAN SYNDROME, TYPE I; FBN1-Related Marfan Syndrome; Marfan syndrome type 1; Marfan's syndrome; Marfan syndrome, classic. Identifiers: Orphanet 284963, Orphanet 558, MedGen C0024796, MONDO:0007947, OMIM 154700.

Submissions (3):

Women's Health and Genetics/Laboratory Corporation of America, LabCorp
Classification: Likely pathogenic for Marfan Syndrome/Loeys-Dietz Syndrome/Familial Thoracic Aortic Aneurysms and Dissections. Last evaluated: 2016-12-23. Review status: criteria provided, single submitter. Criteria: LabCorp Variant Classification Summary - May 2015. Collection method: clinical testing. Allele origin: germline.
Comment: Variant summary: The FBN1 c.3513C>G (p.Cys1171Trp) variant involves the alteration of a non-conserved nucleotide and results in a replacement of a medium size and polar Cysteine (C) with a large size and aromatic (W) located in the EGF-like #14 domain (ACMG: PM1). Cystein residues of the EGF-like domains of FBN1 are known to be important structural elements due to the ability of the sulfhydryl group to participate in disulfide covalent intramolecular cross-linkage. Additionally, cysteine residues in the EGF-like motif may also be necessary for intermolecular interactions with other fibrillin molecules or with other proteins (Dietz_1992). Consequently, 4/4 in silico tools predict a damaging outcome for this substitution (SNPs&GO not captured due to low reliability index) (ACMG: PP3). This variant is absent in 121412 control chromosomes while it was reported in an MFS patient who presented with familial disease and ocular, skeletal, and cardiovascular manifestations indicating causality (ACMG: PM2). Moreover, variants impacting the Cys1171 codon such as p.Cys1171Arg, p.Cys1171Tyr, p.Cys1171Phe, and p.Cys1171X are listed in UMD/ClinVar/HGMD as pathogenic indicating the variant to be located in a mutational hotspot and the clinical importance of the Cys1171 residue (ACMG: PM5). Taken together, this variant is classified as likely pathogenic.

Center for Medical Genetics Ghent, University of Ghent
Classification: Pathogenic for Marfan syndrome. Last evaluated: 2017-11-07. Review status: no assertion criteria provided. Collection method: clinical testing. Allele origin: germline. Affected: yes. Not counted in ClinVar's aggregate classification.

Clinical Molecular Genetics Laboratory, Johns Hopkins All Children's Hospital
Classification: Pathogenic for Marfan syndrome. Last evaluated: 2015-10-19. Review status: no assertion criteria provided. Collection method: clinical testing. Allele origin: germline. Affected: yes. Not counted in ClinVar's aggregate classification.

Literature cited by the submitters: PubMed 9338581 (cited by Women's Health and Genetics/Laboratory Corporation of America, LabCorp); PubMed 11175294 (cited by Women's Health and Genetics/Laboratory Corporation of America, LabCorp); PubMed 19780835 (cited by Women's Health and Genetics/Laboratory Corporation of America, LabCorp); PubMed 9401003 (cited by Women's Health and Genetics/Laboratory Corporation of America, LabCorp); PubMed 21932315 (cited by Women's Health and Genetics/Laboratory Corporation of America, LabCorp); PubMed 11068200 (cited by Women's Health and Genetics/Laboratory Corporation of America, LabCorp); PubMed 9399842 (cited by Women's Health and Genetics/Laboratory Corporation of America, LabCorp).

NM_000138.5(FBN1):c.3513C>G (p.Cys1171Trp)

Gene: FBN1 (fibrillin 1; minus strand). Cytogenetic location: 15q21.1.
Variant type: single nucleotide variant.
Coding change: c.3513C>G on transcript NM_000138.5 (MANE Select); coding-DNA position 3513, C replaced by G.
Protein change: p.Cys1171Trp; replaces cysteine 1171 with tryptophan.
Molecular consequence: missense variant.
Genome position (GRCh38, 1-based): chr15:48,487,151, G>C on the plus strand (C>G on the coding strand, the complement: FBN1 is on the minus strand). VCF-style: chr15-48487151-G-C. GRCh37 (hg19) VCF-style: chr15-48779348-G-C.
Other names: short protein forms C1171W.
Identifiers: ClinVar variation 492828 (VCV000492828.1), dbSNP rs775417975, ClinGen allele CA392325180.